The following is an entry in ClinVar:

NC_000009.12:g.35657839G>A

Gene: RMRP (RNA component of mitochondrial RNA processing endoribonuclease; minus strand). Cytogenetic location: 9p13.3.
Variant type: single nucleotide variant.
Genome position: GRCh38 VCF-style: chr9-35657839-G-A. GRCh37 (hg19) VCF-style: chr9-35657836-G-A.
Identifiers: ClinVar variation 1431820 (VCV001431820.12), dbSNP rs188907984, ClinGen allele CA464450626.

ClinVar aggregate classification (germline): Uncertain significance. Review status: criteria provided, multiple submitters, no conflicts (2 of 4 stars). 2 submissions from 2 submitters: Uncertain significance (2). Last evaluated 2024-11-11.

Conditions:
Anauxetic dysplasia. Identifiers: Orphanet 93347, MedGen C1846796, MONDO:0011773.

gnomAD v4.1: 3 of 693,302 alleles (0.00043%); highest among the groups gnomAD compares: East Asian, 0.0027%; no homozygotes.

Submissions (2):

Labcorp Genetics (formerly Invitae), Labcorp
Classification: Uncertain significance for Anauxetic dysplasia. Last evaluated: 2024-11-11. Review status: criteria provided, single submitter. Criteria: Invitae Variant Classification Sherloc (09022015). Collection method: clinical testing. Allele origin: germline.
Comment: This variant occurs in the RMRP gene, which encodes an RNA molecule that does not result in a protein product. This variant is present in population databases (no rsID available, gnomAD 0.009%). This variant has not been reported in the literature in individuals affected with RMRP-related conditions. ClinVar contains an entry for this variant (Variation ID: 1431820). Experimental studies and prediction algorithms are not available or were not evaluated, and the functional significance of this variant is currently unknown. In summary, the available evidence is currently insufficient to determine the role of this variant in disease. Therefore, it has been classified as a Variant of Uncertain Significance.

Blueprint Genetics
Classification: Uncertain significance. Last evaluated: 2023-08-22. Review status: criteria provided, single submitter. Criteria: ACMG Guidelines, 2015. Collection method: clinical testing. Allele origin: germline.